The following is an entry in ClinVar:

ClinVar aggregate classification (germline): Likely benign (1 of 4 stars; one submission).

Submission:

CeGaT Center for Human Genetics Tuebingen
Classification: Likely benign. Last evaluated: 2025-04-01. Review status: criteria provided, single submitter. Criteria: CeGaT Center For Human Genetics Tuebingen Variant Classification Criteria Version 2. Collection method: clinical testing. Allele origin: germline. Affected: yes. Observed: 1 variant allele.
Comment: DOT1L: BP4, BP7

NM_032482.3(DOT1L):c.3336C>T (p.Ser1112=)

Gene: DOT1L (DOT1 like histone lysine methyltransferase; plus strand). Cytogenetic location: 19p13.3.
Variant type: single nucleotide variant.
Coding change: c.3336C>T on transcript NM_032482.3 (MANE Select); coding-DNA position 3336, C replaced by T.
Protein change: p.Ser1112=; no amino-acid change (serine 1112 retained).
Molecular consequence: synonymous variant.
Genome position (GRCh38, 1-based): chr19:2,222,505, C>T. VCF-style: chr19-2222505-C-T. GRCh37 (hg19) VCF-style: chr19-2222504-C-T.
Other names: c.3336C>T, p.Ser1112= (NM_001411141.1).
Identifiers: ClinVar variation 3898275 (VCV003898275.7).